The following is an entry in ClinVar:

NM_005045.4(RELN):c.9673G>A (p.Val3225Met)

Genes: RELN (reelin; minus strand), SLC26A5-AS1 (SLC26A5 antisense RNA 1; plus strand), LOC126860130 (BRD4-independent group 4 enhancer GRCh37_chr7:103130126-103131325; plus strand). Cytogenetic location: 7q22.1.
Variant type: single nucleotide variant.
Coding change: c.9673G>A on transcript NM_005045.4 (MANE Select); coding-DNA position 9673, G replaced by A.
Protein change: p.Val3225Met; replaces valine 3225 with methionine.
Molecular consequence: missense variant.
Genome position (GRCh38, 1-based): chr7:103,489,832, C>T on the plus strand (G>A on the coding strand, the complement: RELN is on the minus strand). VCF-style: chr7-103489832-C-T. GRCh37 (hg19) VCF-style: chr7-103130279-C-T.
Other names: c.9673G>A, p.Val3225Met (NM_173054.3); short protein forms V3225M.
Identifiers: ClinVar variation 498861 (VCV000498861.13), dbSNP rs755369509, ClinGen allele CA4420149.

ClinVar aggregate classification (germline): Uncertain significance. Review status: criteria provided, multiple submitters, no conflicts (2 of 4 stars). 2 submissions from 2 submitters: Uncertain significance (2). Last evaluated 2024-05-02.

Conditions:
Norman-Roberts syndrome (LIS2). Also called: Lissencephaly 2 (Norman-Roberts type). Identifiers: Orphanet 89844, MedGen C0796089, MONDO:0009760, OMIM 257320.
Familial temporal lobe epilepsy 7. Identifiers: Orphanet 101046, MedGen C4225327, MONDO:0014639, OMIM 616436.

Allele frequency attached by ClinVar (database versions not stated): TOPMed below 0.00001; ExAC 0.00002; gnomAD exomes 0.00002.
gnomAD v4.1: 17 of 1,614,214 alleles (0.0011%); highest among the groups gnomAD compares: South Asian, 0.0022%; no homozygotes.

Submissions (2):

Labcorp Genetics (formerly Invitae), Labcorp
Classification: Uncertain significance for Familial temporal lobe epilepsy 7; Norman-Roberts syndrome. Last evaluated: 2024-05-02. Review status: criteria provided, single submitter. Criteria: Invitae Variant Classification Sherloc (09022015). Collection method: clinical testing. Allele origin: germline.
Comment: This sequence change replaces valine, which is neutral and non-polar, with methionine, which is neutral and non-polar, at codon 3225 of the RELN protein (p.Val3225Met). This variant is present in population databases (rs755369509, gnomAD 0.003%). This variant has not been reported in the literature in individuals affected with RELN-related conditions. ClinVar contains an entry for this variant (Variation ID: 498861). Advanced modeling of protein sequence and biophysical properties (such as structural, functional, and spatial information, amino acid conservation, physicochemical variation, residue mobility, and thermodynamic stability) performed at Invitae indicates that this missense variant is not expected to disrupt RELN protein function with a negative predictive value of 80%. In summary, the available evidence is currently insufficient to determine the role of this variant in disease. Therefore, it has been classified as a Variant of Uncertain Significance.

Eurofins Ntd Llc (ga)
Classification: Uncertain significance. Last evaluated: 2017-01-12. Review status: criteria provided, single submitter. Criteria: EGL Classification Definitions 2015. Collection method: clinical testing. Allele origin: germline. Observed: 1 variant allele, 1 heterozygote.